The following is an entry in ClinVar:

NM_133510.4(RAD51B):c.503A>G (p.Glu168Gly)

Gene: RAD51B (RAD51 paralog B; plus strand). Cytogenetic location: 14q24.1.
Variant type: single nucleotide variant.
Coding change: c.503A>G on transcript NM_133510.4 (MANE Select); coding-DNA position 503, A replaced by G.
Protein change: p.Glu168Gly; replaces glutamic acid 168 with glycine.
Molecular consequence: missense variant.
Genome position (GRCh38, 1-based): chr14:67,885,919, A>G. VCF-style: chr14-67885919-A-G. GRCh37 (hg19) VCF-style: chr14-68352636-A-G.
Other names: c.503A>G, p.Glu168Gly (NM_001321809.2, NM_001321810.2, NM_001321812.1 and 6 more transcripts); c.389A>G, p.Glu130Gly (NM_001321815.1); c.146A>G, p.Glu49Gly (NM_001321817.2); short protein forms E168G, E49G, E130G.
Identifiers: ClinVar variation 3942338 (VCV003942338.1).
Genomic context (GRCh38, chr14:67,885,919, plus strand): 5'-TCACCCACAGACTGGTTGAAATAGCAGAATCCCGTTTTCCCAGATATTTTAACACTGAAG[A>G]AAAGTTACTTTTGACAAGTAGTAAAGTTCATCTTTATCGGGAACTCACCTGTGATGAAGT-3'
Protein context (NP_598194.1, residues 158-178): SRFPRYFNTE[Glu168Gly]KLLLTSSKVH

ClinVar aggregate classification (germline): Uncertain significance (1 of 4 stars; one submission).

gnomAD v4.1: 2 of 1,607,724 alleles (0.00012%); highest among the groups gnomAD compares: Admixed American, 0.0017%; no homozygotes.

Submission:

Ambry Genetics
Classification: Uncertain significance. Last evaluated: 2025-06-12. Review status: criteria provided, single submitter. Criteria: Ambry Variant Classification Scheme 2023. Collection method: clinical testing. Allele origin: germline.
Comment: The p.E168G variant (also known as c.503A>G), located in coding exon 5 of the RAD51B gene, results from an A to G substitution at nucleotide position 503. The glutamic acid at codon 168 is replaced by glycine, an amino acid with similar properties. This amino acid position is conserved. In addition, this alteration is predicted to be tolerated by in silico analysis. Based on the available evidence, the clinical significance of this variant remains unclear.